The following is an entry in ClinVar:

NM_004999.4(MYO6):c.3303C>T (p.Cys1101=)

Gene: MYO6 (myosin VI; plus strand). Cytogenetic location: 6q14.1.
Variant type: single nucleotide variant.
Coding change: c.3303C>T on transcript NM_004999.4 (MANE Select); coding-DNA position 3303, C replaced by T.
Protein change: p.Cys1101=; no amino-acid change (cysteine 1101 retained).
Molecular consequence: synonymous variant. On other transcripts: non-coding transcript variant (1).
Genome position (GRCh38, 1-based): chr6:75,908,518, C>T. VCF-style: chr6-75908518-C-T. GRCh37 (hg19) VCF-style: chr6-76618235-C-T.
Other names: c.3234C>T, p.Cys1078= (NM_001300899.2, NM_001368136.1); c.3291C>T, p.Cys1097= (NM_001368137.1); c.3219C>T, p.Cys1073= (NM_001368138.1); c.3330C>T, p.Cys1110= (NM_001368865.1, NM_001368866.1).
Identifiers: ClinVar variation 45154 (VCV000045154.22), dbSNP rs9443199, ClinGen allele CA135625.

ClinVar aggregate classification (germline): Benign/Likely benign. Review status: criteria provided, multiple submitters, no conflicts (2 of 4 stars). 8 submissions from 7 submitters: Benign (6); Likely benign (2). Last evaluated 2026-01-27.

Conditions:
Autosomal recessive nonsyndromic hearing loss 37. Identifiers: Orphanet 90636, MedGen C1843028, MONDO:0011912, OMIM 607821.
Autosomal dominant nonsyndromic hearing loss 22. Also called: Autosomal dominant nonsyndromic deafness 22; DFNA 22. Identifiers: Orphanet 228012, MedGen C2931767, MONDO:0011660, OMIM 606346.

Allele frequency attached by ClinVar (database versions not stated): gnomAD exomes 0.00198 and 0.00554; ExAC 0.00689; gnomAD 0.01980 and 0.02151; 1000 Genomes Project 0.02117; 1000 Genomes Project 30x 0.02217; TOPMed 0.02256; ESP Exome Variant Server 0.02430.
gnomAD v4.1: 6,018 of 1,612,868 alleles (0.37%); highest among the groups gnomAD compares: African/African-American, 7%; 195 homozygotes.

Submissions (8):

Labcorp Genetics (formerly Invitae), Labcorp
Classification: Benign. Last evaluated: 2026-01-27. Review status: criteria provided, single submitter. Criteria: Invitae Variant Classification Sherloc (09022015). Collection method: clinical testing. Allele origin: germline.

ARUP Laboratories, Molecular Genetics and Genomics, ARUP Laboratories
Classification: Benign. Last evaluated: 2023-11-29. Review status: criteria provided, single submitter. Criteria: ARUP Molecular Germline Variant Investigation Process 2024. Collection method: clinical testing. Allele origin: germline.

Athena Diagnostics
Classification: Benign. Last evaluated: 2018-11-12. Review status: criteria provided, single submitter. Criteria: Athena Diagnostics Criteria. Collection method: clinical testing. Allele origin: germline.

Illumina Laboratory Services, Illumina
Classification: Likely benign for Autosomal recessive nonsyndromic hearing loss 37. Last evaluated: 2018-01-13. Review status: criteria provided, single submitter. Criteria: ICSL Variant Classification Criteria 13 December 2019. Collection method: clinical testing. Allele origin: germline.
Comment: This variant was observed in the ICSL laboratory as part of a predisposition screen in an ostensibly healthy population. It had not been previously curated by ICSL or reported in the Human Gene Mutation Database (HGMD: prior to June 1st, 2018), and was therefore a candidate for classification through an automated scoring system. Utilizing variant allele frequency, disease prevalence and penetrance estimates, and inheritance mode, an automated score was calculated to assess if this variant is too frequent to cause the disease. Based on the score and internal cut-off values, a variant classified as likely benign is not then subjected to further curation. The score for this variant resulted in a classification of likely benign for this disease.

Illumina Laboratory Services, Illumina
Classification: Benign for Autosomal dominant nonsyndromic hearing loss 22. Last evaluated: 2018-01-13. Review status: criteria provided, single submitter. Criteria: ICSL Variant Classification Criteria 13 December 2019. Collection method: clinical testing. Allele origin: germline.
Comment: This variant was observed in the ICSL laboratory as part of a predisposition screen in an ostensibly healthy population. It had not been previously curated by ICSL or reported in the Human Gene Mutation Database (HGMD: prior to June 1st, 2018), and was therefore a candidate for classification through an automated scoring system. Utilizing variant allele frequency, disease prevalence and penetrance estimates, and inheritance mode, an automated score was calculated to assess if this variant is too frequent to cause the disease. Based on the score and internal cut-off values, a variant classified as benign is not then subjected to further curation. The score for this variant resulted in a classification of benign for this disease.

GeneDx
Classification: Benign. Last evaluated: 2017-11-15. Review status: criteria provided, single submitter. Criteria: GeneDx Variant Classification (06012015). Collection method: clinical testing. Allele origin: germline. Affected: yes.
Comment: This variant is considered likely benign or benign based on one or more of the following criteria: it is a conservative change, it occurs at a poorly conserved position in the protein, it is predicted to be benign by multiple in silico algorithms, and/or has population frequency not consistent with disease.

Laboratory for Molecular Medicine, Mass General Brigham Personalized Medicine
Classification: Benign. Last evaluated: 2012-01-11. Review status: criteria provided, single submitter. Criteria: LMM Criteria. Collection method: clinical testing. Allele origin: germline. Observed: 14 variant alleles.
Comment: Cys1101Cys in exon 32 of MYO6: This variant is not expected to have clinical sig nificance because it does not alter an amino acid residue, is not located within the splice consensus sequence and has been identified in 6.7% (251/3738) of Afr ican American chromosomes by the NHBLI Exome sequencing project (rs9443199).

Breakthrough Genomics
Classification: Likely benign. Review status: criteria provided, single submitter. Criteria: ACMG Guidelines, 2015. Collection method: not provided. Allele origin: germline. Inheritance: Autosomal recessive inheritance. Affected: yes.